The following is an entry in ClinVar:

NM_002739.5(PRKCG):c.332C>T (p.Pro111Leu)

Gene: PRKCG (protein kinase C gamma; plus strand). Cytogenetic location: 19q13.42.
Variant type: single nucleotide variant.
Coding change: c.332C>T on transcript NM_002739.5 (MANE Select); coding-DNA position 332, C replaced by T.
Protein change: p.Pro111Leu; replaces proline 111 with leucine.
Molecular consequence: missense variant.
Genome position (GRCh38, 1-based): chr19:53,889,684, C>T. VCF-style: chr19-53889684-C-T. GRCh37 (hg19) VCF-style: chr19-54392938-C-T.
Other names: c.332C>T, p.Pro111Leu (NM_001316329.2); short protein forms P111L.
Identifiers: ClinVar variation 4538477 (VCV004538477.1).

ClinVar aggregate classification (germline): Uncertain significance (1 of 4 stars; one submission).

Conditions:
Spinocerebellar ataxia type 14 (SCA14). Identifiers: Orphanet 98763, MedGen C1854369, MONDO:0011540, OMIM 605361.

Submission:

Clinical Genetics Laboratory, Skane University Hospital Lund
Classification: Uncertain significance for Spinocerebellar ataxia type 14. Last evaluated: 2025-12-18. Review status: criteria provided, single submitter. Criteria: ACMG Guidelines, 2015. Collection method: clinical testing. Allele origin: germline. Affected: yes.
Comment: ACMG criteria used: PM2, PP2, PP3